The following is an entry in ClinVar:

ClinVar aggregate classification (germline): Uncertain significance. Review status: criteria provided, multiple submitters, no conflicts (2 of 4 stars). 4 submissions from 4 submitters: Uncertain significance (4). Last evaluated 2026-02-06.

Conditions:
Inborn genetic diseases. Identifiers: MedGen C0950123, MeSH D030342.
Mitochondrial DNA depletion syndrome 13. Also called: FBXL4-Related Encephalomyopathic Mitochondrial DNA Depletion Syndrome; Mitochondrial DNA depletion syndrome 13 (encephalomyopathic type). Identifiers: Orphanet 369897, MedGen C3809592, MONDO:0014198, OMIM 615471.

Allele frequency attached by ClinVar (database versions not stated): ESP Exome Variant Server 0.00008; TOPMed 0.00005.
gnomAD v4.1: 22 of 1,613,862 alleles (0.0014%); highest among the groups gnomAD compares: Non-Finnish European, 0.0017%; no homozygotes.

Submissions (4):

GeneDx
Classification: Uncertain significance. Last evaluated: 2026-02-06. Review status: criteria provided, single submitter. Criteria: GeneDx Variant Classification Process June 2021. Collection method: clinical testing. Allele origin: germline.
Comment: Not observed at significant frequency in large population cohorts (gnomAD); In silico analysis suggests that this missense variant does not alter protein structure/function; Has not been previously published as pathogenic or benign to our knowledge

Labcorp Genetics (formerly Invitae), Labcorp
Classification: Uncertain significance. Last evaluated: 2022-07-12. Review status: criteria provided, single submitter. Criteria: Invitae Variant Classification Sherloc (09022015). Collection method: clinical testing. Allele origin: germline.
Comment: In summary, the available evidence is currently insufficient to determine the role of this variant in disease. Therefore, it has been classified as a Variant of Uncertain Significance. Advanced modeling of protein sequence and biophysical properties (such as structural, functional, and spatial information, amino acid conservation, physicochemical variation, residue mobility, and thermodynamic stability) performed at Invitae indicates that this missense variant is not expected to disrupt FBXL4 protein function. ClinVar contains an entry for this variant (Variation ID: 437672). This variant has not been reported in the literature in individuals affected with FBXL4-related conditions. This variant is present in population databases (rs368886622, gnomAD 0.004%). This sequence change replaces alanine, which is neutral and non-polar, with glycine, which is neutral and non-polar, at codon 330 of the FBXL4 protein (p.Ala330Gly).

Ambry Genetics
Classification: Uncertain significance for Inborn genetic diseases. Last evaluated: 2021-06-21. Review status: criteria provided, single submitter. Criteria: Ambry Variant Classification Scheme 2023. Collection method: clinical testing. Allele origin: germline.

Wong Mito Lab, Molecular and Human Genetics, Baylor College of Medicine
Classification: Uncertain significance for Mitochondrial DNA depletion syndrome 13. Last evaluated: 2017-08-10. Review status: criteria provided, single submitter. Criteria: ACMG Guidelines, 2015. Collection method: reference population. Allele origin: germline.
Comment: The NM_012160.4:c.989C>G (NP_036292.2:p.Ala330Gly) [GRCH38: NC_000006.12:g.98905540G>C] variant in FBXL4 gene is interpretated to be a Uncertain Significance - Conflicting Evidence based on ACMG guidelines (PMID: 25741868). This variant meets one or more of the following evidence codes reported in the ACMG-guideline. PM2:This variant is absent in key population databases. BP4:Computational evidence/predictors indicate no impact on the FBXL4 structure, function, or protein-protein interaction. Based on this evidence code ClinGen Pathogenicity Calculator (PMID:28081714) suggested that the variant is Uncertain Significance - Conflicting Evidence.

NM_001278716.2(FBXL4):c.989C>G (p.Ala330Gly)

Gene: FBXL4 (F-box and leucine rich repeat protein 4; minus strand). Cytogenetic location: 6q16.2.
Variant type: single nucleotide variant.
Coding change: c.989C>G on transcript NM_001278716.2 (MANE Select); coding-DNA position 989, C replaced by G.
Protein change: p.Ala330Gly; replaces alanine 330 with glycine.
Molecular consequence: missense variant. On other transcripts: non-coding transcript variant (2).
Genome position (GRCh38, 1-based): chr6:98,905,540, G>C on the plus strand (C>G on the coding strand, the complement: FBXL4 is on the minus strand). VCF-style: chr6-98905540-G-C. GRCh37 (hg19) VCF-style: chr6-99353416-G-C.
Other names: c.989C>G, p.Ala330Gly (NM_012160.5); short protein forms A330G.
Identifiers: ClinVar variation 437672 (VCV000437672.11), dbSNP rs368886622, ClinGen allele CA3933566.